The following is an entry in ClinVar:

NM_020686.6(ABAT):c.77G>C (p.Arg26Thr)

Gene: ABAT (4-aminobutyrate aminotransferase; plus strand). Cytogenetic location: 16p13.2.
Variant type: single nucleotide variant.
Coding change: c.77G>C on transcript NM_020686.6 (MANE Select); coding-DNA position 77, G replaced by C.
Protein change: p.Arg26Thr; replaces arginine 26 with threonine.
Molecular consequence: missense variant. On other transcripts: 5 prime UTR variant (3), intron variant (2).
Genome position (GRCh38, 1-based): chr16:8,746,007, G>C. VCF-style: chr16-8746007-G-C. GRCh37 (hg19) VCF-style: chr16-8839864-G-C.
Other names: c.77G>C, p.Arg26Thr (NM_000663.5, NM_001127448.2, NM_001386600.1 and 11 more transcripts); c.-59G>C (NM_001386611.1, NM_001386612.1, NM_001386613.1); c.71-2101G>C (NM_001386610.1); c.70+10198G>C (NM_001386614.1); short protein forms R26T.
Identifiers: ClinVar variation 1490443 (VCV001490443.6), dbSNP rs2142623083, ClinGen allele CA394692133.

ClinVar aggregate classification (germline): Uncertain significance (1 of 4 stars; one submission).

Conditions:
Gamma-aminobutyric acid transaminase deficiency (GABATD). Also called: GABA aminotransaminase deficiency; GABA transaminase deficiency; Gamma aminobutyrate transaminase deficiency; 4 alpha aminobutyrate transaminase deficiency. Identifiers: Orphanet 2066, MedGen C0342708, MONDO:0013166, OMIM 613163.

Submission:

Labcorp Genetics (formerly Invitae), Labcorp
Classification: Uncertain significance for Gamma-aminobutyric acid transaminase deficiency. Last evaluated: 2022-07-12. Review status: criteria provided, single submitter. Criteria: Invitae Variant Classification Sherloc (09022015). Collection method: clinical testing. Allele origin: germline.
Comment: In summary, the available evidence is currently insufficient to determine the role of this variant in disease. Therefore, it has been classified as a Variant of Uncertain Significance. Algorithms developed to predict the effect of missense changes on protein structure and function (SIFT, PolyPhen-2, Align-GVGD) all suggest that this variant is likely to be tolerated. ClinVar contains an entry for this variant (Variation ID: 1490443). This variant has not been reported in the literature in individuals affected with ABAT-related conditions. This variant is not present in population databases (gnomAD no frequency). This sequence change replaces arginine, which is basic and polar, with threonine, which is neutral and polar, at codon 26 of the ABAT protein (p.Arg26Thr).